The following is an entry in ClinVar:

ClinVar aggregate classification (germline): Uncertain significance (1 of 4 stars; one submission).

Submission:

Women's Health and Genetics/Laboratory Corporation of America, LabCorp
Classification: Uncertain significance. Last evaluated: 2024-06-05. Review status: criteria provided, single submitter. Criteria: LabCorp Variant Classification Summary - May 2015. Collection method: clinical testing. Allele origin: germline.
Comment: Variant summary: HOGA1 c.812G>T (p.Arg271Leu) results in a non-conservative amino acid change in the encoded protein sequence. Four of five in-silico tools predict a damaging effect of the variant on protein function. The variant was absent in 245918 control chromosomes. The available data on variant occurrences in the general population are insufficient to allow any conclusion about variant significance. To our knowledge, no occurrence of c.812G>T in individuals affected with Primary Hyperoxaluria, Type III and no experimental evidence demonstrating its impact on protein function have been reported. No submitters have cited clinical-significance assessments for this variant to ClinVar. Based on the evidence outlined above, the variant was classified as uncertain significance.

NM_138413.4(HOGA1):c.812G>T (p.Arg271Leu)

Gene: HOGA1 (4-hydroxy-2-oxoglutarate aldolase 1; plus strand). Cytogenetic location: 10q24.2.
Variant type: single nucleotide variant.
Coding change: c.812G>T on transcript NM_138413.4 (MANE Select); coding-DNA position 812, G replaced by T.
Protein change: p.Arg271Leu; replaces arginine 271 with leucine.
Molecular consequence: missense variant.
Genome position (GRCh38, 1-based): chr10:97,601,968, G>T. VCF-style: chr10-97601968-G-T. GRCh37 (hg19) VCF-style: chr10-99361725-G-T.
Other names: c.323G>T, p.Arg108Leu (NM_001134670.2); short protein forms R108L, R271L.
Identifiers: ClinVar variation 3339732 (VCV003339732.1).